The following is an entry in ClinVar:

ClinVar aggregate classification (germline): Uncertain significance (1 of 4 stars; one submission).

Conditions:
Cardiovascular phenotype. Identifiers: MedGen CN230736.

Submission:

Ambry Genetics
Classification: Uncertain significance for Cardiovascular phenotype. Last evaluated: 2025-03-12. Review status: criteria provided, single submitter. Criteria: Ambry Variant Classification Scheme 2023. Collection method: clinical testing. Allele origin: germline.
Comment: The c.5277delC variant, located in coding exon 31 of the FLNC gene, results from a deletion of one nucleotide at nucleotide position 5277, causing a translational frameshift with a predicted alternate stop codon (p.G1760Afs*23). This alteration is expected to result in loss of function by premature protein truncation or nonsense-mediated mRNA decay. However, pathogenicity has not been established for alterations in exon 31 of FLNC. The exon is alternatively spliced, and the predominant isoform expressed in healthy human cardiac tissue does not include exon 31 (Kong SW et al. Circ Cardiovas Genet. 2010 Apr;3(2):138-46). Since supporting evidence is limited at this time, the clinical significance of this alteration is unclear.

NM_001458.5(FLNC):c.5277del (p.Gly1760fs)

Gene: FLNC (filamin C; plus strand). Cytogenetic location: 7q32.1.
Variant type: Deletion.
Coding change: c.5277del on transcript NM_001458.5 (MANE Select); coding-DNA position 5277, one base deleted (C; older notation c.5277delC).
Protein change: p.Gly1760fs; shifts the reading frame from glycine 1760.
Molecular consequence: frameshift variant. On other transcripts: intron variant (1).
Genome position (GRCh38, 1-based): chr7:128,850,053, C deleted; the last of 3 consecutive C bases (chr7:128,850,051-128,850,053); deleting any one gives the same sequence. VCF-style (leftmost placement, unchanged base first): chr7-128850050-GC-G. GRCh37 (hg19) VCF-style: chr7-128490104-GC-G.
Other names: c.5200-331del (NM_001127487.2); short protein forms G1760fs.
Identifiers: ClinVar variation 3850797 (VCV003850797.1).